The following is an entry in ClinVar:

NM_006914.4(RORB):c.232G>A (p.Asp78Asn)

Gene: RORB (RAR related orphan receptor B; plus strand). Cytogenetic location: 9q21.13.
Variant type: single nucleotide variant.
Coding change: c.232G>A on transcript NM_006914.4 (MANE Select); coding-DNA position 232, G replaced by A.
Protein change: p.Asp78Asn; replaces aspartic acid 78 with asparagine.
Molecular consequence: missense variant.
Genome position (GRCh38, 1-based): chr9:74,634,769, G>A. VCF-style: chr9-74634769-G-A. GRCh37 (hg19) VCF-style: chr9-77249685-G-A.
Other names: c.265G>A, p.Asp89Asn (NM_001365023.1); short protein forms D78N, D89N.
Identifiers: ClinVar variation 1721685 (VCV001721685.5), dbSNP rs1823675102, ClinGen allele CA373772397.

ClinVar aggregate classification (germline): Uncertain significance (1 of 4 stars; one submission).

Allele frequency attached by ClinVar (database versions not stated): gnomAD exomes below 0.00001.
gnomAD v4.1: 1 of 1,611,708 alleles (0.000062%); highest among the groups gnomAD compares: African/African-American, 0.0013%; no homozygotes.

Submission:

Labcorp Genetics (formerly Invitae), Labcorp
Classification: Uncertain significance. Last evaluated: 2022-10-15. Review status: criteria provided, single submitter. Criteria: Invitae Variant Classification Sherloc (09022015). Collection method: clinical testing. Allele origin: germline.
Comment: In summary, the available evidence is currently insufficient to determine the role of this variant in disease. Therefore, it has been classified as a Variant of Uncertain Significance. Algorithms developed to predict the effect of missense changes on protein structure and function are either unavailable or do not agree on the potential impact of this missense change (SIFT: "Deleterious"; PolyPhen-2: "Probably Damaging"; Align-GVGD: "Class C15"). This variant has not been reported in the literature in individuals affected with RORB-related conditions. This variant is not present in population databases (gnomAD no frequency). This sequence change replaces aspartic acid, which is acidic and polar, with asparagine, which is neutral and polar, at codon 78 of the RORB protein (p.Asp78Asn).